The following is an entry in ClinVar:

NM_005535.3(IL12RB1):c.1140T>C (p.Leu380=)

Gene: IL12RB1 (interleukin 12 receptor subunit beta 1; minus strand). Cytogenetic location: 19p13.11.
Variant type: single nucleotide variant.
Coding change: c.1140T>C on transcript NM_005535.3 (MANE Select); coding-DNA position 1140, T replaced by C.
Protein change: p.Leu380=; no amino-acid change (leucine 380 retained).
Molecular consequence: synonymous variant.
Genome position (GRCh38, 1-based): chr19:18,069,595, A>G on the plus strand (T>C on the coding strand, the complement: IL12RB1 is on the minus strand). VCF-style: chr19-18069595-A-G. GRCh37 (hg19) VCF-style: chr19-18180405-A-G.
Other names: c.1140T>C, p.Leu380= (NM_001290023.2); c.1260T>C, p.Leu420= (NM_001290024.2).
Identifiers: ClinVar variation 729289 (VCV000729289.11), dbSNP rs1599484715, ClinGen allele CA506030123.
Genomic context (GRCh38, chr19:18,069,595, plus strand): 5'-CAGGCCATTACCCATTCCAGCCGGATCCGGGTCTTGCGGCGCAGTCAGGCTGCAGGTGGC[A>G]AGGCCCCCGTCCTGGCCCACAGGCTGCCATTCAATGCAATACGTCATGCTCTGAGCCCGG-3'
Protein context (NP_005526.1, residues 370-390): EWQPVGQDGG[Leu380=]ATCSLTAPQD

ClinVar aggregate classification (germline): Likely benign. Review status: criteria provided, single submitter (1 of 4 stars). 2 submissions from 2 submitters: Likely benign (1). 1 of the submissions does not count toward it. Last evaluated 2024-09-17.

Conditions:
Mendelian susceptibility to mycobacterial diseases due to complete IL12RB1 deficiency. Also called: IL12RB1 DEFICIENCY; Immunodeficiency 30. Identifiers: Orphanet 319552, MedGen C4013949, MONDO:0013955, OMIM 614891.
IL12RB1-related disorder. Also called: IL12RB1-related condition.

Allele frequency attached by ClinVar (database versions not stated): gnomAD exomes below 0.00001; TOPMed below 0.00001.

Submissions (2):

Labcorp Genetics (formerly Invitae), Labcorp
Classification: Likely benign for Mendelian susceptibility to mycobacterial diseases due to complete IL12RB1 deficiency. Last evaluated: 2024-09-17. Review status: criteria provided, single submitter. Criteria: Invitae Variant Classification Sherloc (09022015). Collection method: clinical testing. Allele origin: germline.

PreventionGenetics, part of Exact Sciences
Classification: Likely benign for IL12RB1-related condition. Last evaluated: 2024-05-16. Review status: no assertion criteria provided. Collection method: clinical testing. Allele origin: germline. Not counted in ClinVar's aggregate classification.
Comment: This variant is classified as likely benign based on ACMG/AMP sequence variant interpretation guidelines (Richards et al. 2015 PMID: 25741868, with internal and published modifications).